The following is an entry in ClinVar:

ClinVar aggregate classification (germline): Uncertain significance. Review status: criteria provided, multiple submitters, no conflicts (2 of 4 stars). 2 submissions from 2 submitters: Uncertain significance (2). Last evaluated 2025-10-22.

Allele frequency attached by ClinVar (database versions not stated): gnomAD exomes 0.00001; ExAC 0.00002; gnomAD 0.00007; TOPMed 0.00011.
gnomAD v4.1: 17 of 1,613,250 alleles (0.0011%); highest among the groups gnomAD compares: African/African-American, 0.02%; no homozygotes.

Submissions (2):

Ambry Genetics
Classification: Uncertain significance. Last evaluated: 2025-10-22. Review status: criteria provided, single submitter. Criteria: Ambry Variant Classification Scheme 2023. Collection method: clinical testing. Allele origin: germline.

Labcorp Genetics (formerly Invitae), Labcorp
Classification: Uncertain significance. Last evaluated: 2025-02-24. Review status: criteria provided, single submitter. Criteria: Invitae Variant Classification Sherloc (09022015). Collection method: clinical testing. Allele origin: germline.
Comment: This sequence change replaces alanine, which is neutral and non-polar, with glycine, which is neutral and non-polar, at codon 1813 of the NIN protein (p.Ala1813Gly). This variant is present in population databases (rs753098945, gnomAD 0.02%). This variant has not been reported in the literature in individuals affected with NIN-related conditions. ClinVar contains an entry for this variant (Variation ID: 2599039). An algorithm developed to predict the effect of missense changes on protein structure and function (PolyPhen-2) suggests that this variant is likely to be disruptive. In summary, the available evidence is currently insufficient to determine the role of this variant in disease. Therefore, it has been classified as a Variant of Uncertain Significance.

NM_020921.4(NIN):c.5438C>G (p.Ala1813Gly)

Gene: NIN (ninein; minus strand). Cytogenetic location: 14q22.1.
Variant type: single nucleotide variant.
Coding change: c.5438C>G on transcript NM_020921.4 (MANE Select); coding-DNA position 5438, C replaced by G.
Protein change: p.Ala1813Gly; replaces alanine 1813 with glycine.
Molecular consequence: missense variant.
Genome position (GRCh38, 1-based): chr14:50,741,592, G>C on the plus strand (C>G on the coding strand, the complement: NIN is on the minus strand). VCF-style: chr14-50741592-G-C. GRCh37 (hg19) VCF-style: chr14-51208310-G-C.
Other names: c.3299C>G, p.Ala1100Gly (NM_016350.5); c.5438C>G, p.Ala1813Gly (NM_182944.3, NM_182946.2); short protein forms A1100G, A1813G.
Identifiers: ClinVar variation 2599039 (VCV002599039.6), dbSNP rs753098945, ClinGen allele CA7181287.